The following is an entry in ClinVar:

ClinVar aggregate classification (germline): Uncertain significance (1 of 4 stars; one submission).

gnomAD v4.1: 2 of 1,611,002 alleles (0.00012%); highest among the groups gnomAD compares: Non-Finnish European, 0.00017%; no homozygotes.

Submission:

Dasa
Classification: Uncertain significance. Last evaluated: 2024-11-22. Review status: criteria provided, single submitter. Criteria: DASA Assertion Criteria. Collection method: clinical testing. Allele origin: germline.
Comment: NM_021096.4(CACNA1I):c.5629C>A (p.Pro1877Thr) is a missense variant that results in the substitution of proline with threonine. This variant is rare in population databases. Computational prediction algorithms are consistent with a benign effect. The currently available literature and clinical evidence are not sufficient to establish a definitive association between this variant and the reported condition. Therefore, this variant is classified as a variant of uncertain significance.

NM_021096.4(CACNA1I):c.5629C>A (p.Pro1877Thr)

Gene: CACNA1I (calcium voltage-gated channel subunit alpha1 I; plus strand). Cytogenetic location: 22q13.1.
Variant type: single nucleotide variant.
Coding change: c.5629C>A on transcript NM_021096.4 (MANE Select); coding-DNA position 5629, C replaced by A.
Protein change: p.Pro1877Thr; replaces proline 1877 with threonine.
Molecular consequence: missense variant.
Genome position (GRCh38, 1-based): chr22:39,681,017, C>A. VCF-style: chr22-39681017-C-A. GRCh37 (hg19) VCF-style: chr22-40077022-C-A.
Other names: c.5524C>A, p.Pro1842Thr (NM_001003406.2); short protein forms P1842T, P1877T.
Identifiers: ClinVar variation 4883804 (VCV004883804.2).